The following is an entry in ClinVar:

NM_001002295.2(GATA3):c.840G>C (p.Thr280=)

Gene: GATA3 (GATA binding protein 3; plus strand). Cytogenetic location: 10p14.
Variant type: single nucleotide variant.
Coding change: c.840G>C on transcript NM_001002295.2 (MANE Select); coding-DNA position 840, G replaced by C.
Protein change: p.Thr280=; no amino-acid change (threonine 280 retained).
Molecular consequence: synonymous variant.
Genome position (GRCh38, 1-based): chr10:8,064,054, G>C. VCF-style: chr10-8064054-G-C. GRCh37 (hg19) VCF-style: chr10-8106017-G-C.
Other names: c.837G>C, p.Thr279= (NM_002051.3).
Identifiers: ClinVar variation 301125 (VCV000301125.17), dbSNP rs144796042, ClinGen allele CA5404479.

ClinVar aggregate classification (germline): Benign/Likely benign. Review status: criteria provided, multiple submitters, no conflicts (2 of 4 stars). 6 submissions from 6 submitters: Benign (1); Likely benign (3). 2 of the submissions do not count toward it. Last evaluated 2025-09-18.

Conditions:
Hypoparathyroidism, deafness, renal disease syndrome (HDRS). Also called: HYPOPARATHYROIDISM, SENSORINEURAL DEAFNESS, AND RENAL DYSPLASIA SYNDROME. Identifiers: Orphanet 2237, MedGen C1840333, MONDO:0007797, OMIM 146255.

Allele frequency attached by ClinVar (database versions not stated): gnomAD 0.00006; TOPMed 0.00023; ESP Exome Variant Server 0.00038.
gnomAD v4.1: 415 of 1,614,048 alleles (0.026%); highest among the groups gnomAD compares: Non-Finnish European, 0.033%; no homozygotes.

Submissions (6):

Labcorp Genetics (formerly Invitae), Labcorp
Classification: Likely benign. Last evaluated: 2025-09-18. Review status: criteria provided, single submitter. Criteria: Invitae Variant Classification Sherloc (09022015). Collection method: clinical testing. Allele origin: germline.

Blueprint Genetics
Classification: Likely benign. Last evaluated: 2024-08-19. Review status: criteria provided, single submitter. Criteria: ACMG Guidelines, 2015. Collection method: clinical testing. Allele origin: germline.

Illumina Laboratory Services, Illumina
Classification: Benign for Hypoparathyroidism, deafness, renal disease syndrome. Last evaluated: 2018-01-13. Review status: criteria provided, single submitter. Criteria: ICSL Variant Classification Criteria 13 December 2019. Collection method: clinical testing. Allele origin: germline.
Comment: This variant was observed in the ICSL laboratory as part of a predisposition screen in an ostensibly healthy population. It had not been previously curated by ICSL or reported in the Human Gene Mutation Database (HGMD: prior to June 1st, 2018), and was therefore a candidate for classification through an automated scoring system. Utilizing variant allele frequency, disease prevalence and penetrance estimates, and inheritance mode, an automated score was calculated to assess if this variant is too frequent to cause the disease. Based on the score and internal cut-off values, a variant classified as benign is not then subjected to further curation. The score for this variant resulted in a classification of benign for this disease.

Breakthrough Genomics
Classification: Likely benign. Review status: criteria provided, single submitter. Criteria: ACMG Guidelines, 2015. Collection method: not provided. Allele origin: germline. Inheritance: Autosomal dominant inheritance. Affected: yes.

Clinical Genetics DNA and cytogenetics Diagnostics Lab, Erasmus MC, Erasmus Medical Center
Classification: Likely benign. Review status: no assertion criteria provided. Collection method: clinical testing. Allele origin: germline. Affected: yes. Study: VKGL Data-share Consensus. Not counted in ClinVar's aggregate classification.

Genome Diagnostics Laboratory, University Medical Center Utrecht
Classification: Likely benign. Review status: no assertion criteria provided. Collection method: clinical testing. Allele origin: germline. Affected: yes. Study: VKGL Data-share Consensus. Not counted in ClinVar's aggregate classification.